The following is an entry in ClinVar:

NM_003280.3(TNNC1):c.23C>G (p.Ala8Gly)

Gene: TNNC1 (troponin C1, slow skeletal and cardiac type; minus strand). Cytogenetic location: 3p21.1.
Variant type: single nucleotide variant.
Coding change: c.23C>G on transcript NM_003280.3 (MANE Select); coding-DNA position 23, C replaced by G.
Protein change: p.Ala8Gly; replaces alanine 8 with glycine.
Molecular consequence: missense variant.
Genome position (GRCh38, 1-based): chr3:52,453,993, G>C on the plus strand (C>G on the coding strand, the complement: TNNC1 is on the minus strand). VCF-style: chr3-52453993-G-C. GRCh37 (hg19) VCF-style: chr3-52488009-G-C.
Other names: short protein forms A8G.
Identifiers: ClinVar variation 1510985 (VCV001510985.8), dbSNP rs267607125, ClinGen allele CA353170797.

ClinVar aggregate classification (germline): Uncertain significance (1 of 4 stars; one submission).

Conditions:
Hypertrophic cardiomyopathy 13. Also called: TNNC1-Related Familial Hypertrophic Cardiomyopathy. Identifiers: MedGen C2750472, MONDO:0013195, OMIM 613243.
Dilated cardiomyopathy 1Z (CMD1Z). Identifiers: Orphanet 154, MedGen C2678475, MONDO:0012745, OMIM 611879.

Submission:

Labcorp Genetics (formerly Invitae), Labcorp
Classification: Uncertain significance for Hypertrophic cardiomyopathy 13; Dilated cardiomyopathy 1Z. Last evaluated: 2021-05-19. Review status: criteria provided, single submitter. Criteria: Invitae Variant Classification Sherloc (09022015). Collection method: clinical testing. Allele origin: germline.
Comment: In summary, the available evidence is currently insufficient to determine the role of this variant in disease. Therefore, it has been classified as a Variant of Uncertain Significance. This variant disrupts the p.Ala8 amino acid residue in TNNC1. Other variant(s) that disrupt this residue have been determined to be pathogenic (PMID: 27574918, 18572189, 19439414, 21056975, 20459070). This suggests that this residue is clinically significant, and that variants that disrupt this residue are likely to be disease-causing. Algorithms developed to predict the effect of sequence changes on RNA splicing suggest that this variant may disrupt the consensus splice site, but this prediction has not been confirmed by published transcriptional studies. Algorithms developed to predict the effect of missense changes on protein structure and function (SIFT, PolyPhen-2, Align-GVGD) all suggest that this variant is likely to be tolerated, but these predictions have not been confirmed by published functional studies and their clinical significance is uncertain. This variant has not been reported in the literature in individuals with TNNC1-related conditions. This variant is not present in population databases (ExAC no frequency). This sequence change replaces alanine with glycine at codon 8 of the TNNC1 protein (p.Ala8Gly). The alanine residue is moderately conserved and there is a small physicochemical difference between alanine and glycine.

Literature cited by the submitters: PubMed 27574918; PubMed 18572189; PubMed 19439414; PubMed 21056975; PubMed 20459070.